The following is an entry in ClinVar:

ClinVar aggregate classification (germline): Uncertain significance (1 of 4 stars; one submission).

Submission:

Labcorp Genetics (formerly Invitae), Labcorp
Classification: Uncertain significance. Last evaluated: 2025-12-01. Review status: criteria provided, single submitter. Criteria: Invitae Variant Classification Sherloc (09022015). Collection method: clinical testing. Allele origin: germline.
Comment: This sequence change affects codon 1272 of the NBAS mRNA. It is a 'silent' change, meaning that it does not change the encoded amino acid sequence of the NBAS protein. It affects a nucleotide within the consensus splice site. This variant is not present in population databases (gnomAD no frequency). This variant has not been reported in the literature in individuals affected with NBAS-related conditions. ClinVar contains an entry for this variant (Variation ID: 2007532). Algorithms developed to predict the effect of sequence changes on RNA splicing suggest that this variant is not likely to affect RNA splicing. In summary, the available evidence is currently insufficient to determine the role of this variant in disease. Therefore, it has been classified as a Variant of Uncertain Significance.

NM_015909.4(NBAS):c.3816A>G (p.Ala1272=)

Gene: NBAS (NBAS subunit of NRZ tethering complex; minus strand). Cytogenetic location: 2p24.3.
Variant type: single nucleotide variant.
Coding change: c.3816A>G on transcript NM_015909.4 (MANE Select); coding-DNA position 3816, A replaced by G.
Protein change: p.Ala1272=; no amino-acid change (alanine 1272 retained).
Molecular consequence: synonymous variant. On other transcripts: non-coding transcript variant (1).
Genome position (GRCh38, 1-based): chr2:15,366,581, T>C on the plus strand (A>G on the coding strand, the complement: NBAS is on the minus strand). VCF-style: chr2-15366581-T-C. GRCh37 (hg19) VCF-style: chr2-15506705-T-C.
Identifiers: ClinVar variation 2007532 (VCV002007532.4), dbSNP rs2528670765, ClinGen allele CA424870166.